The following is an entry in ClinVar:

NM_014476.6(PDLIM3):c.1037G>A (p.Arg346Lys)

Gene: PDLIM3 (PDZ and LIM domain 3; minus strand). Cytogenetic location: 4q35.1.
Variant type: single nucleotide variant.
Coding change: c.1037G>A on transcript NM_014476.6 (MANE Select); coding-DNA position 1037, G replaced by A.
Protein change: p.Arg346Lys; replaces arginine 346 with lysine.
Molecular consequence: missense variant. On other transcripts: non-coding transcript variant (1).
Genome position (GRCh38, 1-based): chr4:185,502,352, C>T on the plus strand (G>A on the coding strand, the complement: PDLIM3 is on the minus strand). VCF-style: chr4-185502352-C-T. GRCh37 (hg19) VCF-style: chr4-186423506-C-T.
Other names: c.1037G>A (NM_014476.4); c.893G>A, p.Arg298Lys (NM_001114107.5); c.773G>A, p.Arg258Lys (NM_001257962.2); c.536G>A, p.Arg179Lys (NM_001257963.2); short protein forms R179K, R346K, R258K, R298K.
Identifiers: ClinVar variation 1381406 (VCV001381406.8), dbSNP rs762986959, ClinGen allele CA3159602.
Genomic context (GRCh38, chr4:185,502,352, plus strand): 5'-ACTTAAGCTTTGGGATACAGAGTGACCGTGTCATAGCCCTCTGGGGGCTTTGTGCGGGCT[C>T]TTGCGTGGGTTTCGCAGTACAGCTCCCCTTCTATGAAGAAGTAGCCCTTTTGCTTGAGGT-3'
Protein context (NP_055291.2, residues 336-356): EGELYCETHA[Arg346Lys]ARTKPPEGYD

ClinVar aggregate classification (germline): Uncertain significance. Review status: criteria provided, multiple submitters, no conflicts (2 of 4 stars). 2 submissions from 2 submitters: Uncertain significance (2). Last evaluated 2023-07-29.

Conditions:
Hypertrophic cardiomyopathy. Also called: HYPERTROPHIC MYOCARDIOPATHY. Identifiers: Orphanet 217569, MedGen C0007194, MeSH D002312, MONDO:0005045, HP:0001639.
Primary dilated cardiomyopathy (DCM). Also called: Dilated Cardiomyopathy. Identifiers: Orphanet 217604, MedGen C0007193, MeSH D002311, MONDO:0005021, HP:0001644. Inheritance: Various modes of inheritance.

Allele frequency attached by ClinVar (database versions not stated): gnomAD 0.00003.
gnomAD v4.1: 12 of 1,614,126 alleles (0.00074%); highest among the groups gnomAD compares: African/African-American, 0.011%; no homozygotes.

Submissions (2):

Ambry Genetics
Classification: Uncertain significance. Last evaluated: 2023-07-29. Review status: criteria provided, single submitter. Criteria: Ambry Variant Classification Scheme 2023. Collection method: clinical testing. Allele origin: germline.
Comment: The p.R346K variant (also known as c.1037G>A), located in coding exon 8 of the PDLIM3 gene, results from a G to A substitution at nucleotide position 1037. The arginine at codon 346 is replaced by lysine, an amino acid with highly similar properties. This amino acid position is conserved. In addition, this alteration is predicted to be tolerated by in silico analysis. Since supporting evidence is limited at this time, the clinical significance of this alteration remains unclear.

Labcorp Genetics (formerly Invitae), Labcorp
Classification: Uncertain significance for Hypertrophic cardiomyopathy; Primary dilated cardiomyopathy. Last evaluated: 2022-08-09. Review status: criteria provided, single submitter. Criteria: Invitae Variant Classification Sherloc (09022015). Collection method: clinical testing. Allele origin: germline.
Comment: This sequence change replaces arginine, which is basic and polar, with lysine, which is basic and polar, at codon 346 of the PDLIM3 protein (p.Arg346Lys). In summary, the available evidence is currently insufficient to determine the role of this variant in disease. Therefore, it has been classified as a Variant of Uncertain Significance. Algorithms developed to predict the effect of missense changes on protein structure and function are either unavailable or do not agree on the potential impact of this missense change (SIFT: "Deleterious"; PolyPhen-2: "Benign"; Align-GVGD: "Class C25"). ClinVar contains an entry for this variant (Variation ID: 1381406). This variant has not been reported in the literature in individuals affected with PDLIM3-related conditions. This variant is present in population databases (rs762986959, gnomAD 0.004%).